The following is an entry in ClinVar:

ClinVar aggregate classification (germline): Benign (0 of 4 stars; one submission).

Conditions:
LRP1-related disorder. Also called: LRP1-related condition.

Allele frequency attached by ClinVar (database versions not stated): 1000 Genomes Project 0.00699; 1000 Genomes Project 30x 0.00781; TOPMed 0.01407; ESP Exome Variant Server 0.01607; ExAC 0.01758; gnomAD 0.01802; gnomAD exomes 0.02207.
gnomAD v4.1: 34,687 of 1,614,124 alleles (2.1%); highest among the groups gnomAD compares: Non-Finnish European, 2.4%; 462 homozygotes.

Submission:

PreventionGenetics, part of Exact Sciences
Classification: Benign for LRP1-related condition. Last evaluated: 2019-03-27. Review status: no assertion criteria provided. Collection method: clinical testing. Allele origin: germline.
Comment: This variant is classified as benign based on ACMG/AMP sequence variant interpretation guidelines (Richards et al. 2015 PMID: 25741868, with internal and published modifications).

NM_002332.3(LRP1):c.650C>T (p.Ala217Val)

Genes: LRP1 (LDL receptor related protein 1; plus strand), LRP1-AS (LRP1 antisense RNA; minus strand). Cytogenetic location: 12q13.3.
Variant type: single nucleotide variant.
Coding change: c.650C>T on transcript NM_002332.3 (MANE Select); coding-DNA position 650, C replaced by T.
Protein change: p.Ala217Val; replaces alanine 217 with valine.
Molecular consequence: missense variant.
Genome position (GRCh38, 1-based): chr12:57,145,299, C>T. VCF-style: chr12-57145299-C-T. GRCh37 (hg19) VCF-style: chr12-57539082-C-T.
Other names: short protein forms A217V.
Identifiers: ClinVar variation 3042317 (VCV003042317.2), dbSNP rs1800127, ClinGen allele CA6642315.